The following is an entry in ClinVar:

NM_024101.7(MLPH):c.706G>A (p.Ala236Thr)

Gene: MLPH (melanophilin; plus strand). Cytogenetic location: 2q37.3.
Variant type: single nucleotide variant.
Coding change: c.706G>A on transcript NM_024101.7 (MANE Select); coding-DNA position 706, G replaced by A.
Protein change: p.Ala236Thr; replaces alanine 236 with threonine.
Molecular consequence: missense variant. On other transcripts: non-coding transcript variant (1), intron variant (1).
Genome position (GRCh38, 1-based): chr2:237,525,631, G>A. VCF-style: chr2-237525631-G-A. GRCh37 (hg19) VCF-style: chr2-238434274-G-A.
Other names: c.706G>A (NM_024101.6); c.706G>A, p.Ala236Thr (NM_001042467.3); c.586G>A, p.Ala196Thr (NM_001281473.2); c.675+5602G>A (NM_001281474.2); short protein forms A236T, A196T.
Identifiers: ClinVar variation 1428479 (VCV001428479.6), dbSNP rs199710882, ClinGen allele CA2190324.

ClinVar aggregate classification (germline): Uncertain significance. Review status: criteria provided, multiple submitters, no conflicts (2 of 4 stars). 2 submissions from 2 submitters: Uncertain significance (2). Last evaluated 2025-06-26.

Allele frequency attached by ClinVar (database versions not stated): gnomAD exomes 0.00009 and 0.00021; gnomAD 0.00024 and 0.00029; 1000 Genomes Project 0.00080; 1000 Genomes Project 30x 0.00109; ExAC 0.00023; TOPMed 0.00049.
gnomAD v4.1: 194 of 1,614,146 alleles (0.012%); highest among the groups gnomAD compares: South Asian, 0.12%; no homozygotes.

Submissions (2):

GeneDx
Classification: Uncertain significance. Last evaluated: 2025-06-26. Review status: criteria provided, single submitter. Criteria: GeneDx Variant Classification Process June 2021. Collection method: clinical testing. Allele origin: germline. Affected: yes.
Comment: In silico analysis suggests that this missense variant does not alter protein structure/function; Has not been previously published as pathogenic or benign to our knowledge

Labcorp Genetics (formerly Invitae), Labcorp
Classification: Uncertain significance. Last evaluated: 2022-08-16. Review status: criteria provided, single submitter. Criteria: Invitae Variant Classification Sherloc (09022015). Collection method: clinical testing. Allele origin: germline.
Comment: This sequence change replaces alanine, which is neutral and non-polar, with threonine, which is neutral and polar, at codon 236 of the MLPH protein (p.Ala236Thr). This variant is present in population databases (rs199710882, gnomAD 0.1%). This variant has not been reported in the literature in individuals affected with MLPH-related conditions. ClinVar contains an entry for this variant (Variation ID: 1428479). Algorithms developed to predict the effect of missense changes on protein structure and function output the following: SIFT: "Tolerated"; PolyPhen-2: "Benign"; Align-GVGD: "Class C0". The threonine amino acid residue is found in multiple mammalian species, which suggests that this missense change does not adversely affect protein function. In summary, the available evidence is currently insufficient to determine the role of this variant in disease. Therefore, it has been classified as a Variant of Uncertain Significance.